The following is an entry in ClinVar:

ClinVar aggregate classification (germline): Likely benign. Review status: criteria provided, multiple submitters, no conflicts (2 of 4 stars). 2 submissions from 2 submitters: Likely benign (2). Last evaluated 2026-07-01.

Submissions (2):

CeGaT Center for Human Genetics Tuebingen
Classification: Likely benign. Last evaluated: 2026-07-01. Review status: criteria provided, single submitter. Criteria: CeGaT Center For Human Genetics Tuebingen Variant Classification Criteria Version 2. Collection method: clinical testing. Allele origin: germline. Affected: yes. Observed: 6 variant alleles.
Comment: NOP10: BS2

GeneDx
Classification: Likely benign. Last evaluated: 2019-01-10. Review status: criteria provided, single submitter. Criteria: GeneDx Variant Classification Process June 2021. Collection method: clinical testing. Allele origin: germline. Affected: yes.

NM_018648.4(NOP10):c.*41dup

Gene: NOP10 (NOP10 ribonucleoprotein; minus strand). Cytogenetic location: 15q14.
Variant type: Duplication.
Coding change: c.*41dup on transcript NM_018648.4 (MANE Select); 41 bases downstream of the stop codon, one base duplicated (C; older notation c.*41dupC).
Molecular consequence: 3 prime UTR variant.
Genome position (GRCh38, 1-based): chr15:34,341,927, G duplicated on the plus strand (C on the coding strand, the reverse complement: NOP10 is on the minus strand); the first of 4 consecutive G bases (chr15:34,341,927-34,341,930); duplicating any one gives the same sequence. VCF-style (leftmost placement, unchanged base first): chr15-34341926-A-AG. GRCh37 (hg19) VCF-style: chr15-34634127-A-AG.
Identifiers: ClinVar variation 315634 (VCV000315634.20), dbSNP rs528879821, ClinGen allele CA7464751.